The following is an entry in ClinVar:

ClinVar aggregate classification (germline): Likely benign (1 of 4 stars; one submission).

Allele frequency attached by ClinVar (database versions not stated): 1000 Genomes Project 30x 0.00031; TOPMed 0.00034; ExAC 0.00037; 1000 Genomes Project 0.00040; gnomAD 0.00040; ESP Exome Variant Server 0.00050; gnomAD exomes 0.00062.
gnomAD v4.1: 957 of 1,530,868 alleles (0.063%); highest among the groups gnomAD compares: Non-Finnish European, 0.076%; 1 homozygote.

Submissions (3):

CeGaT Center for Human Genetics Tuebingen
Classification: Likely benign. Last evaluated: 2022-12-01. Review status: criteria provided, single submitter. Criteria: CeGaT Center For Human Genetics Tuebingen Variant Classification Criteria Version 2. Collection method: clinical testing. Allele origin: germline. Affected: yes. Observed: 2 variant alleles.
Comment: LGALS3: BP4, BP7

Dr. Peter K. Rogan Lab, Western University
No classification provided (evidence only). Condition: Lung cancer. Review status: no classification provided. Collection method: in vitro. Allele origin: not applicable. Functional consequence: retained intron. Not counted in ClinVar's aggregate classification.

Dr. Peter K. Rogan Lab, Western University
No classification provided (evidence only). Condition: Melanoma. Review status: no classification provided. Collection method: in vitro. Allele origin: not applicable. Functional consequence: retained intron. Not counted in ClinVar's aggregate classification.

NM_002306.4(LGALS3):c.72C>T (p.Gly24=)

Gene: LGALS3 (galectin 3; plus strand). Cytogenetic location: 14q22.3.
Variant type: single nucleotide variant.
Coding change: c.72C>T on transcript NM_002306.4 (MANE Select); coding-DNA position 72, C replaced by T.
Protein change: p.Gly24=; no amino-acid change (glycine 24 retained).
Molecular consequence: synonymous variant. On other transcripts: non-coding transcript variant (1).
Genome position (GRCh38, 1-based): chr14:55,138,098, C>T. VCF-style: chr14-55138098-C-T. GRCh37 (hg19) VCF-style: chr14-55604816-C-T.
Other names: NC_000014.8:g.55604816C>T; c.114C>T, p.Gly38= (NM_001357678.2).
Identifiers: ClinVar variation 2644252 (VCV002644252.25), dbSNP rs181337247, ClinGen allele CA7195425.